The following is an entry in ClinVar:

NM_020843.4(SCAPER):c.3079-8T>C

Genes: SCAPER (S-phase cyclin A associated protein in the ER; minus strand), LOC126862183 (BRD4-independent group 4 enhancer GRCh37_chr15:76726060-76727259; plus strand). Cytogenetic location: 15q24.3.
Variant type: single nucleotide variant.
Coding change: c.3079-8T>C on transcript NM_020843.4 (MANE Select); 8 bases into the intron before coding-DNA position 3079, T replaced by C.
Molecular consequence: intron variant.
Genome position (GRCh38, 1-based): chr15:76,434,318, A>G on the plus strand (T>C on the coding strand, the complement: SCAPER is on the minus strand). VCF-style: chr15-76434318-A-G. GRCh37 (hg19) VCF-style: chr15-76726659-A-G.
Other names: c.2695-8T>C (NM_001353011.2); c.2677-8T>C (NM_001353012.2, NM_001353010.2); c.3097-8T>C (NM_001353009.2); c.2341-8T>C (NM_001145923.2).
Identifiers: ClinVar variation 2645582 (VCV002645582.24), dbSNP rs1477166071, ClinGen allele CA619186609.

ClinVar aggregate classification (germline): Likely benign (1 of 4 stars; one submission).

Allele frequency attached by ClinVar (database versions not stated): TOPMed below 0.00001; gnomAD exomes 0.00001.
gnomAD v4.1: 7 of 1,553,960 alleles (0.00045%); highest among the groups gnomAD compares: Non-Finnish European, 0.00062%; no homozygotes.

Submission:

CeGaT Center for Human Genetics Tuebingen
Classification: Likely benign. Last evaluated: 2023-02-01. Review status: criteria provided, single submitter. Criteria: CeGaT Center For Human Genetics Tuebingen Variant Classification Criteria Version 2. Collection method: clinical testing. Allele origin: germline. Affected: yes. Observed: 1 variant allele.
Comment: SCAPER: BP4